The following is an entry in ClinVar:

ClinVar aggregate classification (germline): Likely benign (1 of 4 stars; one submission).

Conditions:
Joubert syndrome 14 (JBTS14). Identifiers: MedGen C3280766, MONDO:0013745, OMIM 614424.

Allele frequency attached by ClinVar (database versions not stated): gnomAD 0.00316 and 0.00337; TOPMed 0.00363; 1000 Genomes Project 0.00519; 1000 Genomes Project 30x 0.00562.

Submission:

Illumina Laboratory Services, Illumina
Classification: Likely benign for Joubert syndrome 14. Last evaluated: 2018-01-12. Review status: criteria provided, single submitter. Criteria: ICSL Variant Classification Criteria 13 December 2019. Collection method: clinical testing. Allele origin: germline.
Comment: This variant was observed in the ICSL laboratory as part of a predisposition screen in an ostensibly healthy population. It had not been previously curated by ICSL or reported in the Human Gene Mutation Database (HGMD: prior to June 1st, 2018), and was therefore a candidate for classification through an automated scoring system. Utilizing variant allele frequency, disease prevalence and penetrance estimates, and inheritance mode, an automated score was calculated to assess if this variant is too frequent to cause the disease. Based on the score and internal cut-off values, a variant classified as likely benign is not then subjected to further curation. The score for this variant resulted in a classification of likely benign for this disease.

NM_001044385.3(TMEM237):c.*2480T>G

Gene: TMEM237 (transmembrane protein 237; minus strand). Cytogenetic location: 2q33.1.
Variant type: single nucleotide variant.
Coding change: c.*2480T>G on transcript NM_001044385.3 (MANE Select); 2480 bases downstream of the stop codon, T replaced by G.
Molecular consequence: 3 prime UTR variant.
Genome position (GRCh38, 1-based): chr2:201,621,775, A>C on the plus strand (T>G on the coding strand, the complement: TMEM237 is on the minus strand). VCF-style: chr2-201621775-A-C. GRCh37 (hg19) VCF-style: chr2-202486498-A-C.
Other names: c.*2480T>G (NM_152388.4).
Identifiers: ClinVar variation 333540 (VCV000333540.5), dbSNP rs75655554, ClinGen allele CA10612027.